The following is an entry in ClinVar:

ClinVar aggregate classification (germline): Uncertain significance (1 of 4 stars; one submission).

Conditions:
Combined oxidative phosphorylation defect type 17. Also called: Combined oxidative phosphorylation deficiency 17. Identifiers: Orphanet 369913, MedGen C3809526, MONDO:0014190, OMIM 615440.

Allele frequency attached by ClinVar (database versions not stated): gnomAD exomes below 0.00001; TOPMed 0.00002; gnomAD 0.00003 and 0.00004.
gnomAD v4.1: 14 of 1,613,900 alleles (0.00087%); highest among the groups gnomAD compares: Admixed American, 0.0017%; no homozygotes.

Submission:

Labcorp Genetics (formerly Invitae), Labcorp
Classification: Uncertain significance for Combined oxidative phosphorylation defect type 17. Last evaluated: 2025-01-27. Review status: criteria provided, single submitter. Criteria: Invitae Variant Classification Sherloc (09022015). Collection method: clinical testing. Allele origin: germline.
Comment: This sequence change replaces arginine, which is basic and polar, with histidine, which is basic and polar, at codon 104 of the ELAC2 protein (p.Arg104His). This variant is present in population databases (rs201871417, gnomAD 0.0009%). This variant has not been reported in the literature in individuals affected with ELAC2-related conditions. ClinVar contains an entry for this variant (Variation ID: 1427332). Invitae Evidence Modeling of protein sequence and biophysical properties (such as structural, functional, and spatial information, amino acid conservation, physicochemical variation, residue mobility, and thermodynamic stability) indicates that this missense variant is not expected to disrupt ELAC2 protein function with a negative predictive value of 80%. In summary, the available evidence is currently insufficient to determine the role of this variant in disease. Therefore, it has been classified as a Variant of Uncertain Significance.

NM_018127.7(ELAC2):c.311G>A (p.Arg104His)

Gene: ELAC2 (elaC ribonuclease Z 2; minus strand). Cytogenetic location: 17p12.
Variant type: single nucleotide variant.
Coding change: c.311G>A on transcript NM_018127.7 (MANE Select); coding-DNA position 311, G replaced by A.
Protein change: p.Arg104His; replaces arginine 104 with histidine.
Molecular consequence: missense variant.
Genome position (GRCh38, 1-based): chr17:13,016,918, C>T on the plus strand (G>A on the coding strand, the complement: ELAC2 is on the minus strand). VCF-style: chr17-13016918-C-T. GRCh37 (hg19) VCF-style: chr17-12920235-C-T.
Other names: c.311G>A, p.Arg104His (NM_001165962.2, NM_173717.2); short protein forms R104H.
Identifiers: ClinVar variation 1427332 (VCV001427332.6), dbSNP rs201871417, ClinGen allele CA288066576.
Genomic context (GRCh38, chr17:13,016,918, plus strand): 5'-TCACCACTTAAGCCCCCAACATTAGACCAGTGCATTCGTGTCAGGAATATGTTGTCCAGG[C>T]GAGCAACCTTTAACCTAAGAATGAAAAAACATTTAAACAGGATAACATGAACAGAACAAG-3'
Protein context (NP_060597.4, residues 94-114): LMQEHKLKVA[Arg104His]LDNIFLTRMH